The following is an entry in ClinVar:

NM_019844.4(SLCO1B3):c.1714A>G (p.Met572Val)

Genes: SLCO1B3 (solute carrier organic anion transporter family member 1B3; plus strand), SLCO1B3-SLCO1B7 (SLCO1B3-SLCO1B7 readthrough; plus strand). Cytogenetic location: 12p12.2.
Variant type: single nucleotide variant.
Coding change: c.1714A>G on transcript NM_019844.4 (MANE Select); coding-DNA position 1714, A replaced by G.
Protein change: p.Met572Val; replaces methionine 572 with valine.
Molecular consequence: missense variant.
Genome position (GRCh38, 1-based): chr12:20,898,467, A>G. VCF-style: chr12-20898467-A-G. GRCh37 (hg19) VCF-style: chr12-21051401-A-G.
Other names: c.1714A>G, p.Met572Val (NM_001371097.1); c.1630A>G, p.Met544Val (NM_001349920.2); short protein forms M544V, M572V.
Identifiers: ClinVar variation 3050120 (VCV003050120.2), dbSNP rs564235948, ClinGen allele CA6475675.
Genomic context (GRCh38, chr12:20,898,467, plus strand): 5'-ATTATTTCTTTGCCTTTATCATATTTCAGGATTGTTCAACCTGAATTGAAAGCACTTGCA[A>G]TGGGTTTCCAGTCAATGGTTATAAGAACACTAGGTATGACAAATATATAGATTATACATT-3'
Protein context (NP_062818.1, residues 562-582): IVQPELKALA[Met572Val]GFQSMVIRTL

ClinVar aggregate classification (germline): Likely benign (0 of 4 stars; one submission).

Conditions:
SLCO1B3-related disorder. Also called: SLCO1B3-related condition.

Allele frequency attached by ClinVar (database versions not stated): TOPMed 0.00004; gnomAD 0.00021; gnomAD exomes 0.00045; ExAC 0.00094; 1000 Genomes Project 30x 0.00141; 1000 Genomes Project 0.00160.
gnomAD v4.1: 674 of 1,597,906 alleles (0.042%); highest among the groups gnomAD compares: South Asian, 0.72%; 4 homozygotes.

Submission:

PreventionGenetics, part of Exact Sciences
Classification: Likely benign for SLCO1B3-related condition. Last evaluated: 2023-05-18. Review status: no assertion criteria provided. Collection method: clinical testing. Allele origin: germline.
Comment: This variant is classified as likely benign based on ACMG/AMP sequence variant interpretation guidelines (Richards et al. 2015 PMID: 25741868, with internal and published modifications).